The following is an entry in ClinVar:

ClinVar aggregate classification (germline): Uncertain significance. Review status: criteria provided, multiple submitters, no conflicts (2 of 4 stars). 4 submissions from 4 submitters: Uncertain significance (4). Last evaluated 2025-11-13.

Conditions:
Ataxia-telangiectasia syndrome (AT). Also called: LOUIS-BAR SYNDROME; Cerebello-oculocutaneous telangiectasia; Immunodeficiency with ataxia telangiectasia; Ataxia-telangiectasia, complementation group D; AT, COMPLEMENTATION GROUP C; ATAXIA-TELANGIECTASIA, COMPLEMENTATION GROUP A. Identifiers: Orphanet 100, MedGen C0004135, MONDO:0008840, OMIM 208900.
Hereditary cancer-predisposing syndrome. Also called: Hereditary Cancer Syndrome; Hereditary neoplastic syndrome; Neoplastic Syndromes, Hereditary; Tumor predisposition. Identifiers: Orphanet 140162, MedGen C0027672, MeSH D009386, MONDO:0015356.

Allele frequency attached by ClinVar (database versions not stated): gnomAD exomes below 0.00001; TOPMed below 0.00001; ExAC 0.00001.
gnomAD v4.1: 1 of 1,613,708 alleles (0.000062%); highest among the groups gnomAD compares: Non-Finnish European, 0.000085%; no homozygotes.

Submissions (4):

Ambry Genetics
Classification: Uncertain significance for Hereditary cancer-predisposing syndrome. Last evaluated: 2025-11-13. Review status: criteria provided, single submitter. Criteria: Ambry Variant Classification Scheme 2023. Collection method: clinical testing. Allele origin: germline.
Comment: The p.A1041S variant (also known as c.3121G>T), located in coding exon 20 of the ATM gene, results from a G to T substitution at nucleotide position 3121. The alanine at codon 1041 is replaced by serine, an amino acid with similar properties. This amino acid position is conserved. In addition, this alteration is predicted to be tolerated by in silico analysis. Based on the available evidence, the clinical significance of this variant remains unclear.

Labcorp Genetics (formerly Invitae), Labcorp
Classification: Uncertain significance for Ataxia-telangiectasia syndrome. Last evaluated: 2025-03-07. Review status: criteria provided, single submitter. Criteria: Invitae Variant Classification Sherloc (09022015). Collection method: clinical testing. Allele origin: germline.
Comment: This sequence change replaces alanine, which is neutral and non-polar, with serine, which is neutral and polar, at codon 1041 of the ATM protein (p.Ala1041Ser). This variant is present in population databases (rs748752687, gnomAD 0.0009%). This variant has not been reported in the literature in individuals affected with ATM-related conditions. ClinVar contains an entry for this variant (Variation ID: 1332191). Invitae Evidence Modeling of protein sequence and biophysical properties (such as structural, functional, and spatial information, amino acid conservation, physicochemical variation, residue mobility, and thermodynamic stability) indicates that this missense variant is not expected to disrupt ATM protein function with a negative predictive value of 95%. Algorithms developed to predict the effect of sequence changes on RNA splicing suggest that this variant may disrupt the consensus splice site. In summary, the available evidence is currently insufficient to determine the role of this variant in disease. Therefore, it has been classified as a Variant of Uncertain Significance.

GeneDx
Classification: Uncertain significance. Last evaluated: 2024-01-22. Review status: criteria provided, single submitter. Criteria: GeneDx Variant Classification Process June 2021. Collection method: clinical testing. Allele origin: germline. Affected: yes.
Comment: Not observed at significant frequency in large population cohorts (gnomAD); In silico analysis supports that this missense variant does not alter protein structure/function; Has not been previously published as pathogenic or benign to our knowledge; This variant is associated with the following publications: (PMID: 19781682)

Color Diagnostics, LLC DBA Color Health
Classification: Uncertain significance for Hereditary cancer-predisposing syndrome. Last evaluated: 2022-03-18. Review status: criteria provided, single submitter. Criteria: ACMG Guidelines, 2015. Collection method: clinical testing. Allele origin: germline.
Comment: This missense variant replaces alanine with serine at codon 1041 of the ATM protein. Computational prediction suggests that this variant may not impact protein structure and function (internally defined REVEL score threshold <= 0.5, PMID: 27666373). To our knowledge, functional studies have not been reported for this variant. This variant has not been reported in individuals affected with hereditary cancer in the literature. This variant has been identified in 1/251298 chromosomes in the general population by the Genome Aggregation Database (gnomAD). The available evidence is insufficient to determine the role of this variant in disease conclusively. Therefore, this variant is classified as a Variant of Uncertain Significance.

NM_000051.4(ATM):c.3121G>T (p.Ala1041Ser)

Gene: ATM (ATM serine/threonine kinase; plus strand). Cytogenetic location: 11q22.3.
Variant type: single nucleotide variant.
Coding change: c.3121G>T on transcript NM_000051.4 (MANE Select); coding-DNA position 3121, G replaced by T.
Protein change: p.Ala1041Ser; replaces alanine 1041 with serine.
Molecular consequence: missense variant.
Genome position (GRCh38, 1-based): chr11:108,272,575, G>T. VCF-style: chr11-108272575-G-T. GRCh37 (hg19) VCF-style: chr11-108143302-G-T.
Other names: c.3121G>T, p.Ala1041Ser (NM_001351834.2); short protein forms A1041S.
Identifiers: ClinVar variation 1332191 (VCV001332191.13), dbSNP rs748752687, ClinGen allele CA6265198.
Genomic context (GRCh38, chr11:108,272,575, plus strand): 5'-AACTTACTTGATTTCAGGCATCTAACAAAGGAGAGGAAATATATATTCTCTGTAAGAATG[G>T]CCCTAGTAAATTGCCTTAAAACTTTGCTTGAGGTGAGTTTTTGCATTTTTTTAGTAAGAT-3'
Protein context (NP_000042.3, residues 1031-1051): ERKYIFSVRM[Ala1041Ser]LVNCLKTLLE